The following is an entry in ClinVar:

ClinVar aggregate classification (germline): Likely pathogenic (1 of 4 stars; one submission).

Conditions:
Gorlin syndrome. Also called: Nevoid Basal Cell Carcinoma Syndrome; Basal cell nevus syndrome. Identifiers: Orphanet 377, MedGen C0004779, MONDO:0007187.

Submission:

Labcorp Genetics (formerly Invitae), Labcorp
Classification: Likely pathogenic for Gorlin syndrome. Last evaluated: 2019-03-30. Review status: criteria provided, single submitter. Criteria: Invitae Variant Classification Sherloc (09022015). Collection method: clinical testing. Allele origin: germline.
Comment: This variant is a deletion of the genomic region encompassing part of exons 13 and 14 (c.1779_2195del) of the PTCH1 gene. It is expected to disrupt RNA splicing and likely results in an absent or disrupted protein product. This variant has not been reported in the literature in individuals with PTCH1-related conditions. Loss-of-function variants in PTCH1 are known to be pathogenic (PMID: 16301862, 16419085). In summary, the currently available evidence indicates that the variant is pathogenic, but additional data are needed to prove that conclusively. Therefore, this variant has been classified as Likely Pathogenic.

NM_000264.3(PTCH1):c.1779_2195del

Gene: PTCH1 (patched 1; minus strand).
Variant type: Deletion.
Coding change: c.1779_2195del on transcript NM_000264.3; coding-DNA positions 1779 to 2195, 417 bases deleted.
Identifiers: ClinVar variation 861773 (VCV000861773.1).